The following is an entry in ClinVar:

NM_000817.3(GAD1):c.251G>A (p.Arg84Gln)

Gene: GAD1 (glutamate decarboxylase 1; plus strand). Cytogenetic location: 2q31.1.
Variant type: single nucleotide variant.
Coding change: c.251G>A on transcript NM_000817.3 (MANE Select); coding-DNA position 251, G replaced by A.
Protein change: p.Arg84Gln; replaces arginine 84 with glutamine.
Molecular consequence: missense variant.
Genome position (GRCh38, 1-based): chr2:170,829,580, G>A. VCF-style: chr2-170829580-G-A. GRCh37 (hg19) VCF-style: chr2-171686090-G-A.
Other names: c.251G>A, p.Arg84Gln (NM_013445.4); short protein forms R84Q.
Identifiers: ClinVar variation 1412048 (VCV001412048.9), dbSNP rs200092679, ClinGen allele CA1962566.
Genomic context (GRCh38, chr2:170,829,580, plus strand): 5'-TGAGTGCCTTCAAGGAGAGGCAATCCTCCAAGAACCTGCTTTCCTGTGAAAACAGCGACC[G>A]GGATGCCCGCTTCCGGCGCACAGAGACTGACTTCTCTAATCTGTTTGCTAGAGGTAGCCC-3'
Protein context (NP_000808.2, residues 74-94): KNLLSCENSD[Arg84Gln]DARFRRTETD

ClinVar aggregate classification (germline): Uncertain significance. Review status: criteria provided, multiple submitters, no conflicts (2 of 4 stars). 2 submissions from 2 submitters: Uncertain significance (2). Last evaluated 2022-06-20.

Conditions:
Neurodevelopmental disorder with progressive spasticity and brain white matter abnormalities. Also called: CEREBRAL PALSY, SPASTIC QUADRIPLEGIC, 1. Identifiers: Orphanet 210141, Orphanet 641353, MedGen C5436628, MONDO:0033613, OMIM 619026.

Allele frequency attached by ClinVar (database versions not stated): gnomAD exomes 0.00001 and 0.00002; ExAC 0.00002; ESP Exome Variant Server 0.00008; 1000 Genomes Project 0.00020; 1000 Genomes Project 30x 0.00031.
gnomAD v4.1: 33 of 1,613,864 alleles (0.002%); highest among the groups gnomAD compares: African/African-American, 0.025%; no homozygotes.

Submissions (2):

Labcorp Genetics (formerly Invitae), Labcorp
Classification: Uncertain significance for Neurodevelopmental disorder with progressive spasticity and brain white matter abnormalities. Last evaluated: 2022-06-20. Review status: criteria provided, single submitter. Criteria: Invitae Variant Classification Sherloc (09022015). Collection method: clinical testing. Allele origin: germline.
Comment: Algorithms developed to predict the effect of missense changes on protein structure and function output the following: SIFT: "Tolerated"; PolyPhen-2: "Benign"; Align-GVGD: "Class C0". The glutamine amino acid residue is found in multiple mammalian species, which suggests that this missense change does not adversely affect protein function. This variant has not been reported in the literature in individuals affected with GAD1-related conditions. This variant is present in population databases (rs200092679, gnomAD 0.02%). This sequence change replaces arginine, which is basic and polar, with glutamine, which is neutral and polar, at codon 84 of the GAD1 protein (p.Arg84Gln). In summary, the available evidence is currently insufficient to determine the role of this variant in disease. Therefore, it has been classified as a Variant of Uncertain Significance.

Breakthrough Genomics
Classification: Uncertain significance. Review status: criteria provided, single submitter. Criteria: ACMG Guidelines, 2015. Collection method: not provided. Allele origin: germline. Inheritance: Autosomal recessive inheritance. Affected: yes.